The following is an entry in ClinVar:

ClinVar aggregate classification (germline): Uncertain significance (1 of 4 stars; one submission).

Conditions:
Inborn genetic diseases. Identifiers: MedGen C0950123, MeSH D030342.

gnomAD v4.1: 4 of 1,532,490 alleles (0.00026%); highest among the groups gnomAD compares: African/African-American, 0.0014%; no homozygotes.

Submission:

Ambry Genetics
Classification: Uncertain significance for Inborn genetic diseases. Last evaluated: 2025-11-13. Review status: criteria provided, single submitter. Criteria: Ambry Variant Classification Scheme 2023. Collection method: clinical testing. Allele origin: germline.
Comment: The c.95+6C>T intronic alteration consists of a C to T substitution nucleotides after coding exon 1 in the SYNJ1 gene. Based on data from gnomAD, the T allele has an overall frequency of 0.001% (1/128500) total alleles studied. The highest observed frequency was <0.001% (/) of alleles. Based on insufficient or conflicting evidence, the clinical significance of this alteration remains unclear.

NM_203446.3(SYNJ1):c.-23+6C>T

Gene: SYNJ1 (synaptojanin 1; minus strand). Cytogenetic location: 21q22.11.
Variant type: single nucleotide variant.
Coding change: c.-23+6C>T on transcript NM_203446.3 (MANE Select); 6 bases into the intron after 23 bases upstream of the start codon, C replaced by T.
Molecular consequence: intron variant.
Genome position (GRCh38, 1-based): chr21:32,727,940, G>A on the plus strand (C>T on the coding strand, the complement: SYNJ1 is on the minus strand). VCF-style: chr21-32727940-G-A. GRCh37 (hg19) VCF-style: chr21-34100251-G-A.
Other names: c.95+6C>T (NM_003895.4).
Identifiers: ClinVar variation 4632514 (VCV004632514.1).
Genomic context (GRCh38, chr21:32,727,940, plus strand): 5'-GTCCGCCCGCCCGGCTGCCCGTGGGTCTGGCCGCAGCAGCTCCCCGCCCCCCGCCGGCTT[G>A]CTCACCTCTTCCTCCGGCTCCTCCTCCTCCTTCTCCCGCAGCCGCCGCCACAGCCGCCGG-3'